The following is an entry in ClinVar:

ClinVar aggregate classification (germline): Pathogenic (1 of 4 stars; one submission).

Conditions:
Alagille syndrome due to a JAG1 point mutation. Also called: Alagille Syndrome 1; JAG1-Related Alagille Syndrome; HEPATIC DUCTULAR HYPOPLASIA, SYNDROMATIC. Identifiers: Orphanet 261619, Orphanet 52, MedGen C1956125, MONDO:0016862, OMIM 118450.

Submission:

Labcorp Genetics (formerly Invitae), Labcorp
Classification: Pathogenic for Alagille syndrome due to a JAG1 point mutation. Last evaluated: 2026-01-17. Review status: criteria provided, single submitter. Criteria: Invitae Variant Classification Sherloc (09022015). Collection method: clinical testing. Allele origin: germline.
Comment: This sequence change creates a premature translational stop signal (p.Ile890Metfs*55) in the JAG1 gene. It is expected to result in an absent or disrupted protein product. Loss-of-function variants in JAG1 are known to be pathogenic (PMID: 11180599). This variant is not present in population databases (gnomAD no frequency). This variant has not been reported in the literature in individuals affected with JAG1-related conditions. For these reasons, this variant has been classified as Pathogenic.

Literature cited by the submitters: PubMed 11180599.

NM_000214.3(JAG1):c.2670del (p.Ile890fs)

Gene: JAG1 (jagged canonical Notch ligand 1; minus strand). Cytogenetic location: 20p12.2.
Variant type: Deletion.
Coding change: c.2670del on transcript NM_000214.3 (MANE Select); coding-DNA position 2670, one base deleted (C; older notation c.2670delC).
Protein change: p.Ile890fs; shifts the reading frame from isoleucine 890.
Molecular consequence: frameshift variant.
Genome position (GRCh38, 1-based): chr20:10,641,795, G deleted on the plus strand (C on the coding strand, the reverse complement: JAG1 is on the minus strand). VCF-style (leftmost placement, unchanged base first): chr20-10641794-CG-C. GRCh37 (hg19) VCF-style: chr20-10622442-CG-C.
Other names: short protein forms I890fs.
Identifiers: ClinVar variation 4735513 (VCV004735513.1).